The following is an entry in ClinVar:

ClinVar aggregate classification (germline): Uncertain significance (1 of 4 stars; one submission).

Conditions:
Inborn genetic diseases. Identifiers: MedGen C0950123, MeSH D030342.

gnomAD v4.1: 3 of 1,614,164 alleles (0.00019%); highest among the groups gnomAD compares: Admixed American, 0.0033%; no homozygotes.

Submission:

Ambry Genetics
Classification: Uncertain significance for Inborn genetic diseases. Last evaluated: 2025-04-19. Review status: criteria provided, single submitter. Criteria: Ambry Variant Classification Scheme 2023. Collection method: clinical testing. Allele origin: germline.
Comment: The p.L283F variant (also known as c.847C>T), located in coding exon 7 of the FANCG gene, results from a C to T substitution at nucleotide position 847. The leucine at codon 283 is replaced by phenylalanine, an amino acid with highly similar properties. This amino acid position is conserved. In addition, this alteration is predicted to be tolerated by in silico analysis. Based on the available evidence, the clinical significance of this variant remains unclear.

NM_004629.2(FANCG):c.847C>T (p.Leu283Phe)

Gene: FANCG (FA complementation group G; minus strand). Cytogenetic location: 9p13.3.
Variant type: single nucleotide variant.
Coding change: c.847C>T on transcript NM_004629.2 (MANE Select); coding-DNA position 847, C replaced by T.
Protein change: p.Leu283Phe; replaces leucine 283 with phenylalanine.
Molecular consequence: missense variant.
Genome position (GRCh38, 1-based): chr9:35,076,801, G>A on the plus strand (C>T on the coding strand, the complement: FANCG is on the minus strand). VCF-style: chr9-35076801-G-A. GRCh37 (hg19) VCF-style: chr9-35076798-G-A.
Other names: short protein forms L283F.
Identifiers: ClinVar variation 4022498 (VCV004022498.1).